The following is an entry in ClinVar:

NM_015346.4(ZFYVE26):c.3210C>G (p.Pro1070=)

Gene: ZFYVE26 (zinc finger FYVE-type containing 26; minus strand). Cytogenetic location: 14q24.1.
Variant type: single nucleotide variant.
Coding change: c.3210C>G on transcript NM_015346.4 (MANE Select); coding-DNA position 3210, C replaced by G.
Protein change: p.Pro1070=; no amino-acid change (proline 1070 retained).
Molecular consequence: synonymous variant.
Genome position (GRCh38, 1-based): chr14:67,785,952, G>C on the plus strand (C>G on the coding strand, the complement: ZFYVE26 is on the minus strand). VCF-style: chr14-67785952-G-C. GRCh37 (hg19) VCF-style: chr14-68252669-G-C.
Other names: p.Pro1070=.
Identifiers: ClinVar variation 130779 (VCV000130779.27), dbSNP rs7156492, ClinGen allele CA156055.

ClinVar aggregate classification (germline): Benign/Likely benign. Review status: criteria provided, multiple submitters, no conflicts (2 of 4 stars). 10 submissions from 10 submitters: Benign (8); Likely benign (1). 1 of the submissions does not count toward it. Last evaluated 2026-01-31.

Conditions:
Spastic paraplegia. Identifiers: MedGen C0037772, HP:0001258.
Hereditary spastic paraplegia. Also called: Familial spastic paraparesis. Identifiers: Orphanet 685, MedGen C0037773, MONDO:0019064. Disease mechanism: loss of function.
Hereditary spastic paraplegia 15 (SPG15). Also called: SPASTIC PARAPLEGIA AND RETINAL DEGENERATION; KJELLIN SYNDROME; SPASTIC PARAPLEGIA 15, AUTOSOMAL RECESSIVE. Identifiers: Orphanet 100996, MedGen C1849128, MONDO:0010044, OMIM 270700.

Allele frequency attached by ClinVar (database versions not stated): TOPMed 0.04981; ESP Exome Variant Server 0.05190; 1000 Genomes Project 0.05831; 1000 Genomes Project 30x 0.06199.
gnomAD v4.1: 35,421 of 1,614,134 alleles (2.2%); highest among the groups gnomAD compares: African/African-American, 12%; 844 homozygotes.

Submissions (10):

Labcorp Genetics (formerly Invitae), Labcorp
Classification: Benign for Spastic paraplegia. Last evaluated: 2026-01-31. Review status: criteria provided, single submitter. Criteria: Invitae Variant Classification Sherloc (09022015). Collection method: clinical testing. Allele origin: germline.

Blueprint Genetics
Classification: Likely benign. Last evaluated: 2024-11-27. Review status: criteria provided, single submitter. Criteria: ACMG Guidelines, 2015. Collection method: clinical testing. Allele origin: germline.

Genome-Nilou Lab
Classification: Benign for Hereditary spastic paraplegia 15. Last evaluated: 2021-12-05. Review status: criteria provided, single submitter. Criteria: ACMG Guidelines, 2015. Collection method: clinical testing. Allele origin: germline. Affected: no.

Illumina Laboratory Services, Illumina
Classification: Benign for Hereditary spastic paraplegia 15. Last evaluated: 2018-01-13. Review status: criteria provided, single submitter. Criteria: ICSL Variant Classification Criteria 13 December 2019. Collection method: clinical testing. Allele origin: germline.
Comment: This variant was observed in the ICSL laboratory as part of a predisposition screen in an ostensibly healthy population. It had not been previously curated by ICSL or reported in the Human Gene Mutation Database (HGMD: prior to June 1st, 2018), and was therefore a candidate for classification through an automated scoring system. Utilizing variant allele frequency, disease prevalence and penetrance estimates, and inheritance mode, an automated score was calculated to assess if this variant is too frequent to cause the disease. Based on the score and internal cut-off values, a variant classified as benign is not then subjected to further curation. The score for this variant resulted in a classification of benign for this disease.

Athena Diagnostics
Classification: Benign. Last evaluated: 2017-09-30. Review status: criteria provided, single submitter. Criteria: Athena Diagnostics Criteria. Collection method: clinical testing. Allele origin: germline.

Genome Diagnostics Laboratory, The Hospital for Sick Children
Classification: Benign for Hereditary spastic paraplegia. Last evaluated: 2016-12-12. Review status: criteria provided, single submitter. Criteria: ACMG Guidelines, 2015. Collection method: clinical testing. Allele origin: germline. Affected: yes.

Mayo Clinic Laboratories, Mayo Clinic
Classification: Benign. Last evaluated: 2016-07-22. Review status: criteria provided, single submitter. Criteria: ACMG Guidelines, 2015. Collection method: clinical testing. Allele origin: germline. Observed: 76 variant alleles.

GeneDx
Classification: Benign. Last evaluated: 2016-05-25. Review status: criteria provided, single submitter. Criteria: GeneDx Variant Classification (06012015). Collection method: clinical testing. Allele origin: germline. Affected: yes.
Comment: This variant is considered likely benign or benign based on one or more of the following criteria: it is a conservative change, it occurs at a poorly conserved position in the protein, it is predicted to be benign by multiple in silico algorithms, and/or has population frequency not consistent with disease.

Breakthrough Genomics
Classification: Benign. Review status: criteria provided, single submitter. Criteria: ACMG Guidelines, 2015. Collection method: not provided. Allele origin: germline. Inheritance: Autosomal recessive inheritance. Affected: yes.

Genetic Services Laboratory, University of Chicago
Classification: Likely benign for AllHighlyPenetrant. Review status: no assertion criteria provided. Collection method: clinical testing. Allele origin: germline. Inheritance: Autosomal recessive inheritance. Not counted in ClinVar's aggregate classification.
Comment: Likely benign based on allele frequency in 1000 Genomes Project or ESP global frequency and its presence in a patient with a rare or unrelated disease phenotype. NOT Sanger confirmed.